The following is an entry in ClinVar:

ClinVar aggregate classification (germline): Uncertain significance. Review status: criteria provided, multiple submitters, no conflicts (2 of 4 stars). 2 submissions from 2 submitters: Uncertain significance (2). Last evaluated 2025-07-08.

Conditions:
Inborn genetic diseases. Identifiers: MedGen C0950123, MeSH D030342.

Allele frequency attached by ClinVar (database versions not stated): TOPMed below 0.00001; gnomAD exomes 0.00001.
gnomAD v4.1: 5 of 1,613,928 alleles (0.00031%); highest among the groups gnomAD compares: Non-Finnish European, 0.00042%; no homozygotes.

Submissions (2):

Ambry Genetics
Classification: Uncertain significance for Inborn genetic diseases. Last evaluated: 2025-07-08. Review status: criteria provided, single submitter. Criteria: Ambry Variant Classification Scheme 2023. Collection method: clinical testing. Allele origin: germline.

Labcorp Genetics (formerly Invitae), Labcorp
Classification: Uncertain significance. Last evaluated: 2022-08-09. Review status: criteria provided, single submitter. Criteria: Invitae Variant Classification Sherloc (09022015). Collection method: clinical testing. Allele origin: germline.
Comment: This sequence change replaces serine, which is neutral and polar, with arginine, which is basic and polar, at codon 672 of the CDH23 protein (p.Ser672Arg). This variant is not present in population databases (gnomAD no frequency). This variant has not been reported in the literature in individuals affected with CDH23-related conditions. ClinVar contains an entry for this variant (Variation ID: 1050884). Algorithms developed to predict the effect of missense changes on protein structure and function are either unavailable or do not agree on the potential impact of this missense change (SIFT: "Deleterious"; PolyPhen-2: "Not Available"; Align-GVGD: "Class C65"). In summary, the available evidence is currently insufficient to determine the role of this variant in disease. Therefore, it has been classified as a Variant of Uncertain Significance.

NM_022124.6(CDH23):c.2016C>G (p.Ser672Arg)

Gene: CDH23 (cadherin related 23; plus strand). Cytogenetic location: 10q22.1.
Variant type: single nucleotide variant.
Coding change: c.2016C>G on transcript NM_022124.6 (MANE Select); coding-DNA position 2016, C replaced by G.
Protein change: p.Ser672Arg; replaces serine 672 with arginine.
Molecular consequence: missense variant.
Genome position (GRCh38, 1-based): chr10:71,687,676, C>G. VCF-style: chr10-71687676-C-G. GRCh37 (hg19) VCF-style: chr10-73447433-C-G.
Other names: c.2016C>G, p.Ser672Arg (NM_001171930.2, NM_001171931.2); c.2016C>G (NM_022124.5); short protein forms S672R.
Identifiers: ClinVar variation 1050884 (VCV001050884.3), dbSNP rs1864963527, ClinGen allele CA377133255.